The following is an entry in ClinVar:

ClinVar aggregate classification (germline): Uncertain significance (1 of 4 stars; one submission).

Conditions:
Ullrich congenital muscular dystrophy 2 (UCMD2). Identifiers: Orphanet 75840, MedGen C4225314, MONDO:0014654, OMIM 616470.
Bethlem myopathy 2 (BTHLM2). Identifiers: Orphanet 536516, Orphanet 610, MedGen C4225313, MONDO:0034022, OMIM 616471.

Submission:

Labcorp Genetics (formerly Invitae), Labcorp
Classification: Uncertain significance for Bethlem myopathy 2; Ullrich congenital muscular dystrophy 2. Last evaluated: 2020-09-11. Review status: criteria provided, single submitter. Criteria: Invitae Variant Classification Sherloc (09022015). Collection method: clinical testing. Allele origin: germline.
Comment: Algorithms developed to predict the effect of missense changes on protein structure and function are either unavailable or do not agree on the potential impact of this missense change (SIFT: "Tolerated"; PolyPhen-2: "Probably Damaging"; Align-GVGD: "Class C0"). In summary, the available evidence is currently insufficient to determine the role of this variant in disease. Therefore, it has been classified as a Variant of Uncertain Significance. This variant has not been reported in the literature in individuals with COL12A1-related conditions. This variant is not present in population databases (ExAC no frequency). This sequence change replaces serine with alanine at codon 1732 of the COL12A1 protein (p.Ser1732Ala). The serine residue is highly conserved and there is a moderate physicochemical difference between serine and alanine.

NM_004370.6(COL12A1):c.5194T>G (p.Ser1732Ala)

Gene: COL12A1 (collagen type XII alpha 1 chain; minus strand). Cytogenetic location: 6q13.
Variant type: single nucleotide variant.
Coding change: c.5194T>G on transcript NM_004370.6 (MANE Select); coding-DNA position 5194, T replaced by G.
Protein change: p.Ser1732Ala; replaces serine 1732 with alanine.
Molecular consequence: missense variant.
Genome position (GRCh38, 1-based): chr6:75,138,484, A>C on the plus strand (T>G on the coding strand, the complement: COL12A1 is on the minus strand). VCF-style: chr6-75138484-A-C. GRCh37 (hg19) VCF-style: chr6-75848200-A-C.
Other names: c.1702T>G, p.Ser568Ala (NM_080645.3); short protein forms S1732A, S568A.
Identifiers: ClinVar variation 1020998 (VCV001020998.12), dbSNP rs750726658, ClinGen allele CA364738756.